The following is an entry in ClinVar:

NM_016030.6(TRAPPC12):c.1098A>G (p.Ala366=)

Gene: TRAPPC12 (trafficking protein particle complex subunit 12; plus strand). Cytogenetic location: 2p25.3.
Variant type: single nucleotide variant.
Coding change: c.1098A>G on transcript NM_016030.6 (MANE Select); coding-DNA position 1098, A replaced by G.
Protein change: p.Ala366=; no amino-acid change (alanine 366 retained).
Molecular consequence: synonymous variant.
Genome position (GRCh38, 1-based): chr2:3,401,827, A>G. VCF-style: chr2-3401827-A-G. GRCh37 (hg19) VCF-style: chr2-3405598-A-G.
Other names: c.1098A>G, p.Ala366= (NM_001321102.2).
Identifiers: ClinVar variation 5039859 (VCV005039859.1).

ClinVar aggregate classification (germline): Likely benign (1 of 4 stars; one submission).

gnomAD v4.1: 37 of 1,602,490 alleles (0.0023%); highest among the groups gnomAD compares: Admixed American, 0.06%; 1 homozygote.

Submission:

CeGaT Center for Human Genetics Tuebingen
Classification: Likely benign. Last evaluated: 2026-07-01. Review status: criteria provided, single submitter. Criteria: CeGaT Center For Human Genetics Tuebingen Variant Classification Criteria Version 2. Collection method: clinical testing. Allele origin: germline. Affected: yes. Observed: 1 variant allele.
Comment: TRAPPC12: BP4, BP7